The following is an entry in ClinVar:

ClinVar aggregate classification (germline): Pathogenic (1 of 4 stars; one submission).

Submission:

ISCA Site 6
Classification: Pathogenic. Last evaluated: 2011-08-12. Review status: criteria provided, single submitter. Criteria: Kaminsky et al. (Genet Med. 2011). Collection method: clinical testing. Allele origin: de novo, unknown. Affected: yes. Observed: 3 variant alleles. Clinical features observed: Seizure (HP:0001250), Global developmental delay (HP:0001263), Arnold-Chiari malformation (HP:0002308), Short stature (HP:0004322), Agenesis of corpus callosum (HP:0001274), Delayed speech and language development (HP:0002117), Abnormal facial shape (HP:0001999).
Comment: Copy number variation identified through the course of routine clinical cytogenomic testing in postnatal populations. Clinical assertions have been curated as described in Kaminsky et al. 2011.

GRCh38/hg38 7q11.23(chr7:73280574-74725240)x3

Genes: ABHD11 (abhydrolase domain containing 11; minus strand), ABHD11-AS1 (ABHD11 antisense RNA 1 (tail to tail); plus strand), BAZ1B (bromodomain adjacent to zinc finger domain 1B; minus strand), BCL7B (BAF chromatin remodeling complex subunit BCL7B; minus strand), BUD23 (BUD23 rRNA methyltransferase and ribosome maturation factor; plus strand) and 127 more. Cytogenetic location: 7q11.23.
Variant type: copy number gain.
Change: copy number 3 (three copies instead of two) of chr7:73,280,574-74,725,240 (1.44 Mb, GRCh38 coordinates, 1-based), cytogenetic band 7q11.23.
Identifiers: ClinVar variation 58237 (VCV000058237.3).